The following is an entry in ClinVar:

ClinVar aggregate classification (germline): Pathogenic (1 of 4 stars; one submission).

Submission:

Labcorp Genetics (formerly Invitae), Labcorp
Classification: Pathogenic. Last evaluated: 2025-03-03. Review status: criteria provided, single submitter. Criteria: Invitae Variant Classification Sherloc (09022015). Collection method: clinical testing. Allele origin: germline.
Comment: This sequence change creates a premature translational stop signal (p.Arg958*) in the AARS2 gene. While this is not anticipated to result in nonsense mediated decay, it is expected to disrupt the last 28 amino acid(s) of the AARS2 protein. Information on the frequency of this variant in the gnomAD database is not available, as this variant may be reported differently in the database. This premature translational stop signal has been observed in individual(s) with clinical features of AARS2-related conditions and/or combined oxidative phosphorylation deficiency (PMID: 29440775). In at least one individual the data is consistent with being in trans (on the opposite chromosome) from a pathogenic variant. It has also been observed to segregate with disease in related individuals. ClinVar contains an entry for this variant (Variation ID: 2971836). This variant disrupts a region of the AARS2 protein in which other variant(s) (p.Gly965Arg) have been observed in individuals with AARS2-related conditions (PMID: 24808023). This suggests that this is a clinically significant region of the protein, and that variants that disrupt it are likely to be disease-causing. For these reasons, this variant has been classified as Pathogenic.

Literature cited by the submitters: PubMed 29440775; PubMed 24808023.

NM_020745.4(AARS2):c.2871_2872inv (p.Arg958Ter)

Gene: AARS2 (alanyl-tRNA synthetase 2, mitochondrial; minus strand). Cytogenetic location: 6p21.1.
Variant type: Inversion.
Coding change: c.2871_2872inv on transcript NM_020745.4 (MANE Select).
Protein change: p.Arg958Ter; replaces arginine 958 with a stop codon.
Molecular consequence: nonsense.
Genome position: GRCh38 VCF-style: chr6-44300633-GT-AC. GRCh37 (hg19) VCF-style: chr6-44268370-GT-AC.
Other names: short protein forms R958*.
Identifiers: ClinVar variation 2971836 (VCV002971836.3), ClinGen allele CA2740091341.